The following is an entry in ClinVar:

ClinVar aggregate classification (germline): Likely benign (1 of 4 stars; one submission).

Conditions:
LCA5-related disorder. Also called: LCA5-related condition.

Submission:

PreventionGenetics, part of Exact Sciences
Classification: Likely benign for LCA5-related condition. Last evaluated: 2025-12-26. Review status: criteria provided, single submitter. Criteria: ACMG Guidelines, 2015. Collection method: clinical testing. Allele origin: germline.
Comment: This variant is classified as likely benign based on ACMG/AMP sequence variant interpretation guidelines (Richards et al. 2015 PMID: 25741868, with internal and published modifications).

NM_001122769.3(LCA5):c.1371G>A (p.Glu457=)

Gene: LCA5 (lebercilin LCA5; minus strand). Cytogenetic location: 6q14.1.
Variant type: single nucleotide variant.
Coding change: c.1371G>A on transcript NM_001122769.3 (MANE Select); coding-DNA position 1371, G replaced by A.
Protein change: p.Glu457=; no amino-acid change (glutamic acid 457 retained).
Molecular consequence: synonymous variant.
Genome position (GRCh38, 1-based): chr6:79,487,727, C>T on the plus strand (G>A on the coding strand, the complement: LCA5 is on the minus strand). VCF-style: chr6-79487727-C-T. GRCh37 (hg19) VCF-style: chr6-80197444-C-T.
Other names: c.1371G>A, p.Glu457= (NM_181714.4).
Identifiers: ClinVar variation 4990498 (VCV004990498.1).